The following is an entry in ClinVar:

ClinVar aggregate classification (germline): Conflicting classifications of pathogenicity. Review status: criteria provided, conflicting classifications (1 of 4 stars). 6 submissions from 6 submitters: Pathogenic (2); Likely pathogenic (2); Uncertain significance (1). 1 of the submissions does not count toward it. Last evaluated 2026-09-08.

Conditions:
Fabry disease. Also called: Ceramide trihexosidosis; Fabry's disease; CERAMIDE TRIHEXOSIDASE DEFICIENCY; GLA DEFICIENCY; HEREDITARY DYSTOPIC LIPIDOSIS; ALPHA-GALACTOSIDASE A DEFICIENCY. Identifiers: Orphanet 324, MedGen C0002986, MONDO:0010526, OMIM 301500, HP:0001071. Disease mechanism: Fabry disease is due to inactivating mutations in the X-linked GLA gene resulting in deficiency of the enzyme Alpha Galactosidase-A., loss of function.

Submissions (6):

Genomenon, Inc
Classification: Likely pathogenic for Fabry disease. Last evaluated: 2026-09-08. Review status: criteria provided, single submitter. Criteria: Genomenon Sequence Variant Interpretation Standards - Updated. Collection method: curation. Allele origin: germline. Affected: yes.
Comment: GLA p.Lys426ArgfsTer7 (c.1277_1278del) is a frameshift variant that results in the production of an extended protein product. This variant has been observed in at least one proband with clinical features consistent with Fabry disease (PMID:12938095;24236025;26019818;36140787;29631605;12796853;32442237;30159316;32442237). The variant was found to segregate with disease in at least one affected family (PMID:36140787). Functional or patient cell studies have been reported (PMID:24236025;26019818;36140787;29631605;12796853). It is absent or not present at a significant frequency in gnomAD. In conclusion, we classify GLA p.Lys426ArgfsTer7 (c.1277_1278del) as a likely pathogenic variant.

Genetics Laboratory, Great Ormond Street Hospital NHS Foundation Trust, North Thames Genomic Laboratory Hub
Classification: Pathogenic for Fabry disease. Last evaluated: 2025-09-04. Review status: criteria provided, single submitter. Criteria: ACGS Best Practice Guidelines for Variant Classification in Rare Disease 2024 v1.2. Collection method: clinical testing. Allele origin: germline. Affected: yes.
Comment: PS4_supporting, PM2_moderate, PVS1_moderate, PS3_supporting, PP4_strong

Dubai Health Genomic Medicine Center, Dubai Health
Classification: Likely pathogenic for Fabry disease. Last evaluated: 2024-10-04. Review status: criteria provided, single submitter. Criteria: ACMG Guidelines, 2015. Collection method: research. Allele origin: germline. Affected: yes.
Comment: PVS1,PM2

Revvity Omics, Revvity
Classification: Pathogenic. Last evaluated: 2019-10-28. Review status: criteria provided, single submitter. Criteria: ACMG Guidelines, 2015. Collection method: clinical testing. Allele origin: germline.

Color Diagnostics, LLC DBA Color Health
Classification: Uncertain significance for Fabry disease. Last evaluated: 2018-12-04. Review status: criteria provided, single submitter. Criteria: ACMG Guidelines, 2015. Collection method: clinical testing. Allele origin: germline.
Comment: This variant deletes 2 nucleotides in exon 7 of the GLA gene, creating a frameshift and premature translation stop signal. This results in a replacement of the last 4 amino acids of the GLA protein with 23 new amino acids before introducing a translation stop signal. Computational splicing tools suggest that this variant may not impact RNA splicing. To our knowledge, functional assays have not been performed for this variant nor has this variant been reported in individuals affected with cardiovascular disorders in the literature. This variant has not been identified in the general population by the Genome Aggregation Database (gnomAD). Available evidence is insufficient to determine the role of this variant in disease conclusively. Therefore, this variant is classified as a Variant of Uncertain Significance.

OMIM
Classification: Pathogenic for FABRY DISEASE. Last evaluated: 2003-07-01. Review status: no assertion criteria provided. Collection method: literature only. Allele origin: germline. Not counted in ClinVar's aggregate classification.

Literature cited by the submitters: PubMed 12938095 (cited by Genomenon, Inc); PubMed 24236025 (cited by Genomenon, Inc); PubMed 26019818 (cited by Genomenon, Inc); PubMed 36140787 (cited by Genomenon, Inc); PubMed 29631605 (cited by Genomenon, Inc); PubMed 12796853 (cited by Genomenon, Inc and OMIM); PubMed 32442237 (cited by Genomenon, Inc); PubMed 30159316 (cited by Genomenon, Inc).

NM_000169.3(GLA):c.1277_1278del (p.Lys426fs)

Genes: GLA (galactosidase alpha; minus strand), RPL36A-HNRNPH2 (RPL36A-HNRNPH2 readthrough; plus strand). Cytogenetic location: Xq22.1.
Variant type: Deletion.
Coding change: c.1277_1278del on transcript NM_000169.3 (MANE Select); coding-DNA positions 1277 to 1278, 2 bases deleted (AA; older notation c.1277_1278delAA).
Protein change: p.Lys426fs; shifts the reading frame from lysine 426.
Molecular consequence: frameshift variant. On other transcripts: non-coding transcript variant (3), intron variant (2).
Genome position (GRCh38, 1-based): chrX:101,397,821-101,397,822, TT deleted on the plus strand (AA on the coding strand, the reverse complement: GLA is on the minus strand); deleting any 2 consecutive bases within chrX:101,397,821-101,397,824 gives the same sequence; the c. name uses the placement nearest the transcript's 3' end. VCF-style (leftmost placement, unchanged base first): chrX-101397820-CTT-C. GRCh37 (hg19) VCF-style: chrX-100652808-CTT-C.
Other names: c.1400_1401del, p.Lys467fs (NM_001406747.1); c.300+2366_300+2367del (NM_001199973.2); c.177+6001_177+6002del (NM_001199974.2); short protein forms K426fs, K467fs.
Identifiers: ClinVar variation 10772 (VCV000010772.12), dbSNP rs869312249, ClinGen allele CA352589.